The following is an entry in ClinVar:

ClinVar aggregate classification (germline): Pathogenic (1 of 4 stars; one submission).

Conditions:
Alstrom syndrome (ALMS). Identifiers: Orphanet 64, MedGen C0268425, MONDO:0008763, OMIM 203800.

Allele frequency attached by ClinVar (database versions not stated): gnomAD exomes below 0.00001.

Submission:

Labcorp Genetics (formerly Invitae), Labcorp
Classification: Pathogenic for Alstrom syndrome. Last evaluated: 2024-02-22. Review status: criteria provided, single submitter. Criteria: Invitae Variant Classification Sherloc (09022015). Collection method: clinical testing. Allele origin: germline.
Comment: This sequence change creates a premature translational stop signal (p.Thr1870Lysfs*3) in the ALMS1 gene. It is expected to result in an absent or disrupted protein product. Loss-of-function variants in ALMS1 are known to be pathogenic (PMID: 17594715). This variant is not present in population databases (gnomAD no frequency). This variant has not been reported in the literature in individuals affected with ALMS1-related conditions. For these reasons, this variant has been classified as Pathogenic.

Literature cited by the submitters: PubMed 17594715.

NM_001378454.1(ALMS1):c.5606_5612del (p.Thr1869fs)

Gene: ALMS1 (ALMS1 centrosome and basal body associated protein; plus strand). Cytogenetic location: 2p13.1.
Variant type: Deletion.
Coding change: c.5606_5612del on transcript NM_001378454.1 (MANE Select); coding-DNA positions 5606 to 5612, 7 bases deleted (CTGAAGT; older notation c.5606_5612delCTGAAGT).
Protein change: p.Thr1869fs; shifts the reading frame from threonine 1869.
Molecular consequence: frameshift variant.
Genome position (GRCh38, 1-based): chr2:73,452,133-73,452,139, CTGAAGT deleted. VCF-style (leftmost placement, unchanged base first): chr2-73452132-ACTGAAGT-A. GRCh37 (hg19) VCF-style: chr2-73679259-ACTGAAGT-A.
Other names: c.5609_5615del, p.Thr1870fs (NM_015120.4); short protein forms T1869fs, T1870fs.
Identifiers: ClinVar variation 2865282 (VCV002865282.3), dbSNP rs2466105917, ClinGen allele CA2577004992.